The following is an entry in ClinVar:

ClinVar aggregate classification (germline): Likely benign. Review status: criteria provided, multiple submitters, no conflicts (2 of 4 stars). 2 submissions from 2 submitters: Likely benign (2). Last evaluated 2025-12-28.

Conditions:
Cortical dysplasia-focal epilepsy syndrome (PTHSL1). Also called: Pitt-Hopkins-like syndrome 1. Identifiers: Orphanet 163681, Orphanet 221150, MedGen C2750246, MONDO:0012400, OMIM 610042.

Allele frequency attached by ClinVar (database versions not stated): TOPMed 0.00011; gnomAD 0.00013; 1000 Genomes Project 30x 0.00016; 1000 Genomes Project 0.00020.
gnomAD v4.1: 119 of 1,613,638 alleles (0.0074%); highest among the groups gnomAD compares: African/African-American, 0.019%; no homozygotes.

Submissions (2):

Labcorp Genetics (formerly Invitae), Labcorp
Classification: Likely benign for Cortical dysplasia-focal epilepsy syndrome. Last evaluated: 2025-12-28. Review status: criteria provided, single submitter. Criteria: Invitae Variant Classification Sherloc (09022015). Collection method: clinical testing. Allele origin: germline.

GeneDx
Classification: Likely benign. Last evaluated: 2018-02-28. Review status: criteria provided, single submitter. Criteria: GeneDx Variant Classification (06012015). Collection method: clinical testing. Allele origin: germline. Affected: yes.
Comment: This variant is considered likely benign or benign based on one or more of the following criteria: it is a conservative change, it occurs at a poorly conserved position in the protein, it is predicted to be benign by multiple in silico algorithms, and/or has population frequency not consistent with disease.

NM_014141.6(CNTNAP2):c.1083+16C>T

Gene: CNTNAP2 (contactin associated protein 2; plus strand). Cytogenetic location: 7q35.
Variant type: single nucleotide variant.
Coding change: c.1083+16C>T on transcript NM_014141.6 (MANE Select); 16 bases into the intron after coding-DNA position 1083, C replaced by T.
Molecular consequence: intron variant.
Genome position (GRCh38, 1-based): chr7:147,128,852, C>T. VCF-style: chr7-147128852-C-T. GRCh37 (hg19) VCF-style: chr7-146825944-C-T.
Identifiers: ClinVar variation 377707 (VCV000377707.9), dbSNP rs371536143, ClinGen allele CA4545959.
Genomic context (GRCh38, chr7:147,128,852, plus strand): 5'-ATTACTGATCTTGCCAGAAGGAAGAAATTAGAGCCCTCAAATGTGGTAAGGATTTTCACC[C>T]GCAAAATATTGGTCTATAAAATATCAAGTAACATTTTTGTTTTTTGGATTATTGAACAAC-3'